The following is an entry in ClinVar:

ClinVar aggregate classification (germline): Uncertain significance. Review status: criteria provided, multiple submitters, no conflicts (2 of 4 stars). 2 submissions from 2 submitters: Uncertain significance (2). Last evaluated 2024-12-15.

Conditions:
Congenital myasthenic syndrome 2A. Also called: Myasthenic syndrome, congenital, 2a, slow-channel. Identifiers: Orphanet 590, MedGen C4225374, MONDO:0014581, OMIM 616313.

gnomAD v4.1: 3 of 1,614,024 alleles (0.00019%); highest among the groups gnomAD compares: Non-Finnish European, 0.00025%; no homozygotes.

Submissions (2):

Labcorp Genetics (formerly Invitae), Labcorp
Classification: Uncertain significance for Congenital myasthenic syndrome 2A. Last evaluated: 2024-12-15. Review status: criteria provided, single submitter. Criteria: Invitae Variant Classification Sherloc (09022015). Collection method: clinical testing. Allele origin: germline.
Comment: This sequence change replaces proline, which is neutral and non-polar, with leucine, which is neutral and non-polar, at codon 92 of the CHRNB1 protein (p.Pro92Leu). This variant is not present in population databases (gnomAD no frequency). This variant has not been reported in the literature in individuals affected with CHRNB1-related conditions. Invitae Evidence Modeling of protein sequence and biophysical properties (such as structural, functional, and spatial information, amino acid conservation, physicochemical variation, residue mobility, and thermodynamic stability) indicates that this missense variant is not expected to disrupt CHRNB1 protein function with a negative predictive value of 80%. In summary, the available evidence is currently insufficient to determine the role of this variant in disease. Therefore, it has been classified as a Variant of Uncertain Significance.

MVZ Medizinische Genetik Mainz
Classification: Uncertain significance for Congenital myasthenic syndrome 2A. Last evaluated: 2024-11-06. Review status: criteria provided, single submitter. Criteria: UK Practice Guidelines For Variant Classification V4 01 2020. Collection method: clinical testing. Allele origin: germline. Inheritance: Autosomal dominant inheritance. Affected: yes. Observed: 1 variant allele.
Comment: ACMG Criteria: PP3_MOD,PM2_SUP

NM_000747.3(CHRNB1):c.275C>T (p.Pro92Leu)

Gene: CHRNB1 (cholinergic receptor nicotinic beta 1 subunit; plus strand). Cytogenetic location: 17p13.1.
Variant type: single nucleotide variant.
Coding change: c.275C>T on transcript NM_000747.3 (MANE Select); coding-DNA position 275, C replaced by T.
Protein change: p.Pro92Leu; replaces proline 92 with leucine.
Molecular consequence: missense variant.
Genome position (GRCh38, 1-based): chr17:7,446,864, C>T. VCF-style: chr17-7446864-C-T. GRCh37 (hg19) VCF-style: chr17-7350183-C-T.
Other names: short protein forms P92L.
Identifiers: ClinVar variation 3383237 (VCV003383237.3).